The following is an entry in ClinVar:

NC_000013.10:g.(?_50123594)_(50141415_?)dup

Gene: RCBTB1 (RCC1 and BTB domain containing protein 1; minus strand). Cytogenetic location: 13q14.2.
Variant type: Duplication.
Identifiers: ClinVar variation 1000343 (VCV001000343.1).

ClinVar aggregate classification (germline): Uncertain significance (1 of 4 stars; one submission).

Submission:

Labcorp Genetics (formerly Invitae), Labcorp
Classification: Uncertain significance. Last evaluated: 2020-08-07. Review status: criteria provided, single submitter. Criteria: Invitae Variant Classification Sherloc (09022015). Collection method: clinical testing. Allele origin: germline.
Comment: This variant results in a copy number gain of the genomic region encompassing exons 3-9 of the RCBTB1 gene, which includes the initiator codon. The 5' end of this event is unknown as it extends beyond the assayed region for this gene and therefore may encompass additional genes. The 3' boundary is likely confined to intron 9 of the RCBTB1 gene. As the precise location of this event is unknown, it may be in tandem or it may be located elsewhere in the genome. This variant has not been reported in the literature in individuals with RCBTB1-related conditions. Experimental studies and prediction algorithms are not available or were not evaluated, and the functional significance of this variant is currently unknown. In summary, the available evidence is currently insufficient to determine the role of this variant in disease. Therefore, it has been classified as a Variant of Uncertain Significance.